The following is an entry in ClinVar:

NM_001184.4(ATR):c.2258G>A (p.Cys753Tyr)

Gene: ATR (ATR checkpoint kinase; minus strand). Cytogenetic location: 3q23.
Variant type: single nucleotide variant.
Coding change: c.2258G>A on transcript NM_001184.4 (MANE Select); coding-DNA position 2258, G replaced by A.
Protein change: p.Cys753Tyr; replaces cysteine 753 with tyrosine.
Molecular consequence: missense variant.
Genome position (GRCh38, 1-based): chr3:142,555,960, C>T on the plus strand (G>A on the coding strand, the complement: ATR is on the minus strand). VCF-style: chr3-142555960-C-T. GRCh37 (hg19) VCF-style: chr3-142274802-C-T.
Other names: c.2066G>A, p.Cys689Tyr (NM_001354579.2); c.2258G>A (NM_001184.3); short protein forms C753Y, C689Y.
Identifiers: ClinVar variation 1355981 (VCV001355981.7), dbSNP rs2108470741, ClinGen allele CA354818647.

ClinVar aggregate classification (germline): Uncertain significance. Review status: criteria provided, multiple submitters, no conflicts (2 of 4 stars). 2 submissions from 2 submitters: Uncertain significance (2). Last evaluated 2024-10-21.

Conditions:
Inborn genetic diseases. Identifiers: MedGen C0950123, MeSH D030342.

Submissions (2):

Ambry Genetics
Classification: Uncertain significance for Inborn genetic diseases. Last evaluated: 2024-10-21. Review status: criteria provided, single submitter. Criteria: Ambry Variant Classification Scheme 2023. Collection method: clinical testing. Allele origin: germline.
Comment: The p.C753Y variant (also known as c.2258G>A), located in coding exon 10 of the ATR gene, results from a G to A substitution at nucleotide position 2258. The cysteine at codon 753 is replaced by tyrosine, an amino acid with highly dissimilar properties. This amino acid position is conserved. In addition, this alteration is predicted to be tolerated by in silico analysis. Based on the available evidence, the clinical significance of this variant remains unclear.

Labcorp Genetics (formerly Invitae), Labcorp
Classification: Uncertain significance. Last evaluated: 2021-08-24. Review status: criteria provided, single submitter. Criteria: Invitae Variant Classification Sherloc (09022015). Collection method: clinical testing. Allele origin: germline.
Comment: This sequence change replaces cysteine with tyrosine at codon 753 of the ATR protein (p.Cys753Tyr). The cysteine residue is weakly conserved and there is a large physicochemical difference between cysteine and tyrosine. This variant is not present in population databases (ExAC no frequency). This variant has not been reported in the literature in individuals affected with ATR-related conditions. Algorithms developed to predict the effect of missense changes on protein structure and function (SIFT, PolyPhen-2, Align-GVGD) all suggest that this variant is likely to be tolerated. In summary, the available evidence is currently insufficient to determine the role of this variant in disease. Therefore, it has been classified as a Variant of Uncertain Significance.